The following is an entry in ClinVar:

NM_001845.6(COL4A1):c.2717-1G>A

Gene: COL4A1 (collagen type IV alpha 1 chain; minus strand). Cytogenetic location: 13q34.
Variant type: single nucleotide variant.
Coding change: c.2717-1G>A on transcript NM_001845.6 (MANE Select); the canonical splice acceptor site of the intron before coding-DNA position 2717, G replaced by A.
Molecular consequence: splice acceptor variant.
Genome position (GRCh38, 1-based): chr13:110,177,038, C>T on the plus strand (G>A on the coding strand, the complement: COL4A1 is on the minus strand). VCF-style: chr13-110177038-C-T. GRCh37 (hg19) VCF-style: chr13-110829385-C-T.
Identifiers: ClinVar variation 2044422 (VCV002044422.4), dbSNP rs2501777565, ClinGen allele CA388667303.

ClinVar aggregate classification (germline): Likely pathogenic (1 of 4 stars; one submission).

Submission:

Labcorp Genetics (formerly Invitae), Labcorp
Classification: Likely pathogenic. Last evaluated: 2025-02-24. Review status: criteria provided, single submitter. Criteria: Invitae Variant Classification Sherloc (09022015). Collection method: clinical testing. Allele origin: germline.
Comment: This sequence change affects an acceptor splice site in intron 33 of the COL4A1 gene. It is expected to disrupt RNA splicing. Variants that disrupt the donor or acceptor splice site typically lead to a loss of protein function (PMID: 16199547), and loss-of-function variants in COL4A1 are known to be pathogenic (PMID: 23225343). This variant is not present in population databases (gnomAD no frequency). This variant has not been reported in the literature in individuals affected with COL4A1-related conditions. ClinVar contains an entry for this variant (Variation ID: 2044422). Algorithms developed to predict the effect of sequence changes on RNA splicing suggest that this variant may disrupt the consensus splice site. In summary, the currently available evidence indicates that the variant is pathogenic, but additional data are needed to prove that conclusively. Therefore, this variant has been classified as Likely Pathogenic.

Literature cited by the submitters: PubMed 16199547; PubMed 23225343.